The following is an entry in ClinVar:

NM_000433.4(NCF2):c.1194C>A (p.Asp398Glu)

Gene: NCF2 (neutrophil cytosolic factor 2; minus strand). Cytogenetic location: 1q25.3.
Variant type: single nucleotide variant.
Coding change: c.1194C>A on transcript NM_000433.4 (MANE Select); coding-DNA position 1194, C replaced by A.
Protein change: p.Asp398Glu; replaces aspartic acid 398 with glutamic acid.
Molecular consequence: missense variant.
Genome position (GRCh38, 1-based): chr1:183,563,291, G>T on the plus strand (C>A on the coding strand, the complement: NCF2 is on the minus strand). VCF-style: chr1-183563291-G-T. GRCh37 (hg19) VCF-style: chr1-183532426-G-T.
Other names: c.1194C>A, p.Asp398Glu (NM_001127651.3); c.951C>A, p.Asp317Glu (NM_001190789.2); c.1059C>A, p.Asp353Glu (NM_001190794.2); short protein forms D317E, D353E, D398E.
Identifiers: ClinVar variation 1054762 (VCV001054762.11), dbSNP rs2102882371, ClinGen allele CA343704398.

ClinVar aggregate classification (germline): Uncertain significance (1 of 4 stars; one submission).

Conditions:
Granulomatous disease, chronic, autosomal recessive, cytochrome b-positive, type 2. Also called: GRANULOMATOUS DISEASE, CHRONIC, AUTOSOMAL RECESSIVE, 2; Chronic granulomatous disease due to deficiency of NCF-2; CGD, AUTOSOMAL RECESSIVE CYTOCHROME b-POSITIVE, TYPE II; GRANULOMATOUS DISEASE, CHRONIC, DUE TO NCF2 DEFICIENCY; Chronic Granulomatous Disease, Autosomal Recessive, Cytochrome b-Positive, Type II. Identifiers: Orphanet 379, MedGen C1856245, MONDO:0009310, OMIM 233710.

Submission:

Labcorp Genetics (formerly Invitae), Labcorp
Classification: Uncertain significance for Granulomatous disease, chronic, autosomal recessive, cytochrome b-positive, type 2. Last evaluated: 2020-01-10. Review status: criteria provided, single submitter. Criteria: Invitae Variant Classification Sherloc (09022015). Collection method: clinical testing. Allele origin: germline.
Comment: This variant has not been reported in the literature in individuals with NCF2-related conditions. This variant is not present in population databases (ExAC no frequency). This sequence change replaces aspartic acid with glutamic acid at codon 398 of the NCF2 protein (p.Asp398Glu). The aspartic acid residue is moderately conserved and there is a small physicochemical difference between aspartic acid and glutamic acid. Algorithms developed to predict the effect of missense changes on protein structure and function (SIFT, PolyPhen-2, Align-GVGD) all suggest that this variant is likely to be tolerated, but these predictions have not been confirmed by published functional studies and their clinical significance is uncertain. In summary, the available evidence is currently insufficient to determine the role of this variant in disease. Therefore, it has been classified as a Variant of Uncertain Significance.